The following is an entry in ClinVar:

NM_177924.5(ASAH1):c.303+21C>A

Gene: ASAH1 (N-acylsphingosine amidohydrolase 1; minus strand). Cytogenetic location: 8p22.
Variant type: single nucleotide variant.
Coding change: c.303+21C>A on transcript NM_177924.5 (MANE Select); 21 bases into the intron after coding-DNA position 303, C replaced by A.
Molecular consequence: intron variant.
Genome position (GRCh38, 1-based): chr8:18,069,771, G>T on the plus strand (C>A on the coding strand, the complement: ASAH1 is on the minus strand). VCF-style: chr8-18069771-G-T. GRCh37 (hg19) VCF-style: chr8-17927280-G-T.
Other names: c.351+21C>A (NM_004315.6); c.285+1529C>A (NM_001127505.3); c.108+21C>A (NM_001363743.2).
Identifiers: ClinVar variation 558958 (VCV000558958.10), dbSNP rs2106037, ClinGen allele CA4650932.

ClinVar aggregate classification (germline): Benign. Review status: criteria provided, multiple submitters, no conflicts (2 of 4 stars). 5 submissions from 4 submitters: Benign (4). 1 of the submissions does not count toward it. Last evaluated 2021-07-14.

Conditions:
Farber lipogranulomatosis (FRBRL). Also called: Farber's lipogranulomatosis; Farber's disease; Farber disease; AC DEFICIENCY; ACID CERAMIDASE DEFICIENCY; CERAMIDASE DEFICIENCY. Identifiers: Orphanet 333, MedGen C0268255, MONDO:0009218, OMIM 228000.
Spinal muscular atrophy-progressive myoclonic epilepsy syndrome. Also called: MYOCLONUS, HEREDITARY, WITH PROGRESSIVE DISTAL MUSCULAR ATROPHY; Hereditary myoclonus and progressive distal muscular atrophy; Spinal muscular atrophy with progressive myoclonic epilepsy; Spinal Muscular Atrophy with Progressive Myoclonic Epilepsy (SMA-PME). Identifiers: Orphanet 2590, MedGen C1834569, MONDO:0008045, OMIM 159950.

Allele frequency attached by ClinVar (database versions not stated): 1000 Genomes Project 30x 0.33463; 1000 Genomes Project 0.33906; gnomAD 0.34725; ESP Exome Variant Server 0.34859; TOPMed 0.35944; ExAC 0.41307; gnomAD exomes 0.41650.
gnomAD v4.1: 606,697 of 1,471,904 alleles (41%); highest among the groups gnomAD compares: Admixed American, 48%; 129,597 homozygotes.

Submissions (5):

Genome-Nilou Lab
Classification: Benign for Farber lipogranulomatosis. Last evaluated: 2021-07-14. Review status: criteria provided, single submitter. Criteria: ACMG Guidelines, 2015. Collection method: clinical testing. Allele origin: germline. Affected: no.

Genome-Nilou Lab
Classification: Benign for Spinal muscular atrophy-progressive myoclonic epilepsy syndrome. Last evaluated: 2021-07-14. Review status: criteria provided, single submitter. Criteria: ACMG Guidelines, 2015. Collection method: clinical testing. Allele origin: germline. Affected: no.

GeneDx
Classification: Benign. Last evaluated: 2018-06-19. Review status: criteria provided, single submitter. Criteria: GeneDx Variant Classification (06012015). Collection method: clinical testing. Allele origin: germline. Affected: yes.
Comment: This variant is considered likely benign or benign based on one or more of the following criteria: it is a conservative change, it occurs at a poorly conserved position in the protein, it is predicted to be benign by multiple in silico algorithms, and/or has population frequency not consistent with disease.

Breakthrough Genomics
Classification: Benign. Review status: criteria provided, single submitter. Criteria: ACMG Guidelines, 2015. Collection method: not provided. Allele origin: germline. Inheritance: Autosomal recessive inheritance. Affected: yes.

Mayo Clinic Laboratories, Mayo Clinic
Classification: Benign. Last evaluated: 2015-10-22. Review status: no assertion criteria provided. Collection method: clinical testing. Allele origin: unknown. Not counted in ClinVar's aggregate classification.